The following is an entry in ClinVar:

NM_152424.4(AMER1):c.2651C>T (p.Pro884Leu)

Gene: AMER1 (APC membrane recruitment protein 1; minus strand). Cytogenetic location: Xq11.2.
Variant type: single nucleotide variant.
Coding change: c.2651C>T on transcript NM_152424.4 (MANE Select); coding-DNA position 2651, C replaced by T.
Protein change: p.Pro884Leu; replaces proline 884 with leucine.
Molecular consequence: missense variant.
Genome position (GRCh38, 1-based): chrX:64,190,636, G>A on the plus strand (C>T on the coding strand, the complement: AMER1 is on the minus strand). VCF-style: chrX-64190636-G-A. GRCh37 (hg19) VCF-style: chrX-63410516-G-A.
Other names: short protein forms P884L.
Identifiers: ClinVar variation 133492 (VCV000133492.21), dbSNP rs201092215, ClinGen allele CA156686.

ClinVar aggregate classification (germline): Benign/Likely benign. Review status: criteria provided, multiple submitters, no conflicts (2 of 4 stars). 9 submissions from 9 submitters: Benign (1); Likely benign (3). 5 of the submissions do not count toward it. Last evaluated 2026-01-28.

Allele frequency attached by ClinVar (database versions not stated): gnomAD exomes 0.00060 and 0.00108; ExAC 0.00116; ESP Exome Variant Server 0.00118; 1000 Genomes Project 30x 0.00146; gnomAD 0.00157 and 0.00160; 1000 Genomes Project 0.00159; TOPMed 0.00173.

Submissions (9):

Labcorp Genetics (formerly Invitae), Labcorp
Classification: Benign. Last evaluated: 2026-01-28. Review status: criteria provided, single submitter. Criteria: Invitae Variant Classification Sherloc (09022015). Collection method: clinical testing. Allele origin: germline.

Blueprint Genetics
Classification: Likely benign. Last evaluated: 2024-11-18. Review status: criteria provided, single submitter. Criteria: ACMG Guidelines, 2015. Collection method: clinical testing. Allele origin: germline.

Center for Pediatric Genomic Medicine, Children's Mercy Hospital and Clinics
Classification: Likely benign. Last evaluated: 2016-09-13. Review status: criteria provided, single submitter. Criteria: ACMG Guidelines, 2015. Collection method: clinical testing. Allele origin: germline.
ClinVar note: Converted during submission from Likely Benign to Likely benign.

Breakthrough Genomics
Classification: Likely benign. Review status: criteria provided, single submitter. Criteria: ACMG Guidelines, 2015. Collection method: not provided. Allele origin: germline. Inheritance: X-linked inheritance. Affected: yes.

ITMI
No classification provided. Condition: AllHighlyPenetrant. Last evaluated: 2013-09-19. Review status: no classification provided. Collection method: reference population. Allele origin: germline. Not counted in ClinVar's aggregate classification.
Comment: Please see associated publication for description of ethnicities

Clinical Genetics DNA and cytogenetics Diagnostics Lab, Erasmus MC, Erasmus Medical Center
Classification: Likely benign. Review status: no assertion criteria provided. Collection method: clinical testing. Allele origin: germline. Affected: yes. Study: VKGL Data-share Consensus. Not counted in ClinVar's aggregate classification.

Diagnostic Laboratory, Department of Genetics, University Medical Center Groningen
Classification: Likely benign. Review status: no assertion criteria provided. Collection method: clinical testing. Allele origin: germline. Affected: yes. Study: VKGL Data-share Consensus. Not counted in ClinVar's aggregate classification.

Genome Diagnostics Laboratory, University Medical Center Utrecht
Classification: Likely benign. Review status: no assertion criteria provided. Collection method: clinical testing. Allele origin: germline. Affected: yes. Study: VKGL Data-share Consensus. Not counted in ClinVar's aggregate classification.

Laboratory of Diagnostic Genome Analysis, Leiden University Medical Center (LUMC)
Classification: Likely benign. Review status: no assertion criteria provided. Collection method: clinical testing. Allele origin: germline. Affected: yes. Study: VKGL Data-share Consensus. Not counted in ClinVar's aggregate classification.

Literature cited by the submitters: PubMed 24728327 (cited by ITMI).